The following is an entry in ClinVar:

NM_020461.4(TUBGCP6):c.4208A>C (p.Glu1403Ala)

Gene: TUBGCP6 (tubulin gamma complex component 6; minus strand). Cytogenetic location: 22q13.33.
Variant type: single nucleotide variant.
Coding change: c.4208A>C on transcript NM_020461.4 (MANE Select); coding-DNA position 4208, A replaced by C.
Protein change: p.Glu1403Ala; replaces glutamic acid 1403 with alanine.
Molecular consequence: missense variant.
Genome position (GRCh38, 1-based): chr22:50,219,751, T>G on the plus strand (A>C on the coding strand, the complement: TUBGCP6 is on the minus strand). VCF-style: chr22-50219751-T-G. GRCh37 (hg19) VCF-style: chr22-50658180-T-G.
Other names: short protein forms E1403A.
Identifiers: ClinVar variation 941198 (VCV000941198.6), dbSNP rs753473295, ClinGen allele CA10307624.

ClinVar aggregate classification (germline): Uncertain significance. Review status: criteria provided, multiple submitters, no conflicts (2 of 4 stars). 2 submissions from 2 submitters: Uncertain significance (2). Last evaluated 2024-01-05.

Conditions:
Microcephaly and chorioretinopathy 1. Also called: Microcephaly and chorioretinopathy, autosomal recessive, 1. Identifiers: MedGen C3278481, MONDO:0009624, OMIM 251270.

Allele frequency attached by ClinVar (database versions not stated): gnomAD exomes 0.00002 and 0.00008; gnomAD 0.00003; ExAC 0.00005; TOPMed 0.00005.
gnomAD v4.1: 36 of 1,613,480 alleles (0.0022%); highest among the groups gnomAD compares: Admixed American, 0.057%; no homozygotes.

Submissions (2):

Fulgent Genetics
Classification: Uncertain significance for Microcephaly and chorioretinopathy 1. Last evaluated: 2024-01-05. Review status: criteria provided, single submitter. Criteria: ACMG Guidelines, 2015. Collection method: clinical testing. Allele origin: germline.

Labcorp Genetics (formerly Invitae), Labcorp
Classification: Uncertain significance. Last evaluated: 2022-10-05. Review status: criteria provided, single submitter. Criteria: Invitae Variant Classification Sherloc (09022015). Collection method: clinical testing. Allele origin: germline.
Comment: This sequence change replaces glutamic acid, which is acidic and polar, with alanine, which is neutral and non-polar, at codon 1403 of the TUBGCP6 protein (p.Glu1403Ala). This variant is present in population databases (rs753473295, gnomAD 0.06%). This variant has not been reported in the literature in individuals affected with TUBGCP6-related conditions. ClinVar contains an entry for this variant (Variation ID: 941198). Algorithms developed to predict the effect of missense changes on protein structure and function (SIFT, PolyPhen-2, Align-GVGD) all suggest that this variant is likely to be tolerated. In summary, the available evidence is currently insufficient to determine the role of this variant in disease. Therefore, it has been classified as a Variant of Uncertain Significance.